The following is an entry in ClinVar:

NM_001111.5(ADAR):c.2359G>A (p.Ala787Thr)

Gene: ADAR (adenosine deaminase RNA specific; minus strand). Cytogenetic location: 1q21.3.
Variant type: single nucleotide variant.
Coding change: c.2359G>A on transcript NM_001111.5 (MANE Select); coding-DNA position 2359, G replaced by A.
Protein change: p.Ala787Thr; replaces alanine 787 with threonine.
Molecular consequence: missense variant.
Genome position (GRCh38, 1-based): chr1:154,590,321, C>T on the plus strand (G>A on the coding strand, the complement: ADAR is on the minus strand). VCF-style: chr1-154590321-C-T. GRCh37 (hg19) VCF-style: chr1-154562797-C-T.
Other names: c.1474G>A, p.Ala492Thr (NM_001025107.3, NM_001193495.2, NM_001365046.1 and 3 more transcripts); c.2386G>A, p.Ala796Thr (NM_001365045.1); c.2359G>A, p.Ala787Thr (NM_015840.4); c.2302G>A, p.Ala768Thr (NM_015841.4); short protein forms A768T, A796T, A787T, A492T.
Identifiers: ClinVar variation 2945665 (VCV002945665.3), dbSNP rs2526524484, ClinGen allele CA342637421.
Genomic context (GRCh38, chr1:154,590,321, plus strand): 5'-CCTCTGTGAAACCCATGCGTTCTGCCTTCTCGTTCTCCCCAATCAAGACACGGAGAGCCG[C>T]ATCTGCTGCTTCCTGCTTGCCTTGCTTCTTGCTGTGTGCGCAGACGGCTGGGAACCAGCG-3'
Protein context (NP_001102.3, residues 777-797): KKQGKQEAAD[Ala787Thr]ALRVLIGENE

ClinVar aggregate classification (germline): Uncertain significance (1 of 4 stars; one submission).

Conditions:
Symmetrical dyschromatosis of extremities (DSH). Also called: DYSCHROMATOSIS SYMMETRICA HEREDITARIA 1; RETICULATE ACROPIGMENTATION OF DOHI; SYMMETRIC DYSCHROMATOSIS OF THE EXTREMITIES; Dyschromatosis symmetrica hereditaria. Identifiers: Orphanet 41, MedGen C0406775, MONDO:0007483, OMIM 127400.
Aicardi-Goutieres syndrome 6 (AGS6). Identifiers: Orphanet 51, MedGen C3539013, MONDO:0014007, OMIM 615010.

Submission:

Labcorp Genetics (formerly Invitae), Labcorp
Classification: Uncertain significance for Aicardi-Goutieres syndrome 6; Symmetrical dyschromatosis of extremities. Last evaluated: 2023-03-22. Review status: criteria provided, single submitter. Criteria: Invitae Variant Classification Sherloc (09022015). Collection method: clinical testing. Allele origin: germline.
Comment: In summary, the available evidence is currently insufficient to determine the role of this variant in disease. Therefore, it has been classified as a Variant of Uncertain Significance. Advanced modeling of protein sequence and biophysical properties (such as structural, functional, and spatial information, amino acid conservation, physicochemical variation, residue mobility, and thermodynamic stability) performed at Invitae indicates that this missense variant is expected to disrupt ADAR protein function. This variant has not been reported in the literature in individuals affected with ADAR-related conditions. This variant is not present in population databases (gnomAD no frequency). This sequence change replaces alanine, which is neutral and non-polar, with threonine, which is neutral and polar, at codon 787 of the ADAR protein (p.Ala787Thr).